The following is an entry in ClinVar:

ClinVar aggregate classification (germline): Likely pathogenic. Review status: criteria provided, multiple submitters, no conflicts (2 of 4 stars). 2 submissions from 2 submitters: Likely pathogenic (2). Last evaluated 2023-08-04.

Conditions:
Dilated cardiomyopathy 1G (CMD1G). Identifiers: Orphanet 154, MedGen C1858763, MONDO:0011400, OMIM 604145.
Autosomal recessive limb-girdle muscular dystrophy type 2J (LGMDR10). Also called: Limb-girdle muscular dystrophy, type 2J; MUSCULAR DYSTROPHY, LIMB-GIRDLE, AUTOSOMAL RECESSIVE 10. Identifiers: Orphanet 140922, MedGen C1837342, MONDO:0012127, OMIM 608807.

Submissions (2):

Labcorp Genetics (formerly Invitae), Labcorp
Classification: Likely pathogenic for Dilated cardiomyopathy 1G; Autosomal recessive limb-girdle muscular dystrophy type 2J. Last evaluated: 2023-08-04. Review status: criteria provided, single submitter. Criteria: Invitae Variant Classification Sherloc (09022015). Collection method: clinical testing. Allele origin: germline.
Comment: This sequence change creates a premature translational stop signal (p.Glu29007Ilefs*16) in the TTN gene. While this is not anticipated to result in nonsense mediated decay, it is expected to create a truncated TTN protein. This variant is not present in population databases (gnomAD no frequency). This premature translational stop signal has been observed in individual(s) with dilated cardiomyopathy (Invitae). ClinVar contains an entry for this variant (Variation ID: 617587). This variant is located in the A band of TTN (PMID: 25589632). Truncating variants in this region are significantly overrepresented in patients affected with dilated cardiomyopathy (PMID: 25589632). Truncating variants in this region have also been reported in individuals affected with autosomal recessive centronuclear myopathy (PMID: 23975875). In summary, the currently available evidence indicates that the variant is pathogenic, but additional data are needed to prove that conclusively. Therefore, this variant has been classified as Likely Pathogenic.

NeuroMeGen, Hospital Clinico Santiago de Compostela
Classification: Likely pathogenic for Autosomal recessive limb-girdle muscular dystrophy type 2J. Last evaluated: 2018-10-08. Review status: criteria provided, single submitter. Criteria: ACMG Guidelines, 2015. Collection method: clinical testing. Allele origin: unknown. Affected: yes. Observed: 1 heterozygote.

Literature cited by the submitters: PubMed 25589632 (cited by Labcorp Genetics (formerly Invitae), Labcorp); PubMed 23975875 (cited by Labcorp Genetics (formerly Invitae), Labcorp).

NM_001267550.2(TTN):c.87019_87022del (p.Glu29007fs)

Genes: TTN (titin; minus strand), TTN-AS1 (TTN antisense RNA 1; plus strand). Cytogenetic location: 2q31.2.
Variant type: Microsatellite.
Coding change: c.87019_87022del on transcript NM_001267550.2 (MANE Select); coding-DNA positions 87019 to 87022, 4 bases deleted (GAGA; older notation c.87019_87022delGAGA).
Protein change: p.Glu29007fs; shifts the reading frame from glutamic acid 29007.
Molecular consequence: frameshift variant.
Genome position (GRCh38, 1-based): chr2:178,558,437-178,558,440, TCTC deleted on the plus strand (GAGA on the coding strand, the reverse complement: TTN is on the minus strand); deleting any 4 consecutive bases within chr2:178,558,437-178,558,444 gives the same sequence; the c. name uses the placement nearest the transcript's 3' end. VCF-style (leftmost placement, unchanged base first): chr2-178558436-TTCTC-T. GRCh37 (hg19) VCF-style: chr2-179423163-TTCTC-T.
Other names: c.82096_82099del, p.Glu27366fs (NM_001256850.1); c.59824_59827del, p.Glu19942fs (NM_003319.4); c.79315_79318del, p.Glu26439fs (NM_133378.4); c.60199_60202del, p.Glu20067fs (NM_133432.3); c.60400_60403del, p.Glu20134fs (NM_133437.4); short protein forms E27366fs, E20134fs, E26439fs, E29007fs, E19942fs, E20067fs.
Identifiers: ClinVar variation 617587 (VCV000617587.4), dbSNP rs1559267059, ClinGen allele CA913189777.